The following is an entry in ClinVar:

NM_152281.3(GORAB):c.118C>T (p.Arg40Ter)

Gene: GORAB (golgin, RAB6 interacting; plus strand). Cytogenetic location: 1q24.2.
Variant type: single nucleotide variant.
Coding change: c.118C>T on transcript NM_152281.3 (MANE Select); coding-DNA position 118, C replaced by T.
Protein change: p.Arg40Ter; replaces arginine 40 with a stop codon.
Molecular consequence: nonsense. On other transcripts: 5 prime UTR variant (1), non-coding transcript variant (1).
Genome position (GRCh38, 1-based): chr1:170,539,266, C>T. VCF-style: chr1-170539266-C-T. GRCh37 (hg19) VCF-style: chr1-170508407-C-T.
Other names: c.118C>T, p.Arg40Ter (NM_001146039.2); c.-348C>T (NM_001320252.2); short protein forms R65*, R40*.
Identifiers: ClinVar variation 632088 (VCV000632088.8), dbSNP rs369967804, ClinGen allele CA32469490.

ClinVar aggregate classification (germline): Pathogenic/Likely pathogenic. Review status: criteria provided, multiple submitters, no conflicts (2 of 4 stars). 2 submissions from 2 submitters: Pathogenic (1); Likely pathogenic (1). Last evaluated 2024-03-12.

Conditions:
Geroderma osteodysplastica (GO). Also called: WALT DISNEY DWARFISM; Geroderma osteodysplasticum. Identifiers: Orphanet 2078, MedGen C0432255, MONDO:0009271, OMIM 231070.

Allele frequency attached by ClinVar (database versions not stated): TOPMed 0.00002.
gnomAD v4.1: 13 of 1,613,992 alleles (0.00081%); highest among the groups gnomAD compares: East Asian, 0.0045%; no homozygotes.

Submissions (2):

Fulgent Genetics
Classification: Likely pathogenic for Geroderma osteodysplastica. Last evaluated: 2024-03-12. Review status: criteria provided, single submitter. Criteria: ACMG Guidelines, 2015. Collection method: clinical testing. Allele origin: germline.

Labcorp Genetics (formerly Invitae), Labcorp
Classification: Pathogenic. Last evaluated: 2024-02-17. Review status: criteria provided, single submitter. Criteria: Invitae Variant Classification Sherloc (09022015). Collection method: clinical testing. Allele origin: germline.
Comment: This sequence change creates a premature translational stop signal (p.Arg65*) in the GORAB gene. It is expected to result in an absent or disrupted protein product. Loss-of-function variants in GORAB are known to be pathogenic (PMID: 18997784, 19681135). This variant is present in population databases (rs369967804, gnomAD 0.007%). This variant has not been reported in the literature in individuals affected with GORAB-related conditions. ClinVar contains an entry for this variant (Variation ID: 632088). For these reasons, this variant has been classified as Pathogenic.

Literature cited by the submitters: PubMed 18997784 (cited by Labcorp Genetics (formerly Invitae), Labcorp); PubMed 19681135 (cited by Labcorp Genetics (formerly Invitae), Labcorp).